The following is an entry in ClinVar:

ClinVar aggregate classification (germline): Uncertain significance (1 of 4 stars; one submission).

Allele frequency attached by ClinVar (database versions not stated): ExAC 0.00001.
gnomAD v4.1: 1 of 1,607,862 alleles (0.000062%); highest among the groups gnomAD compares: Non-Finnish European, 0.000085%; no homozygotes.

Submission:

Labcorp Genetics (formerly Invitae), Labcorp
Classification: Uncertain significance. Last evaluated: 2025-10-02. Review status: criteria provided, single submitter. Criteria: Invitae Variant Classification Sherloc (09022015). Collection method: clinical testing. Allele origin: germline.
Comment: This sequence change replaces leucine, which is neutral and non-polar, with glutamine, which is neutral and polar, at codon 107 of the FGF20 protein (p.Leu107Gln). This variant is present in population databases (rs766382683, gnomAD 0.0009%). This variant has not been reported in the literature in individuals affected with FGF20-related conditions. ClinVar contains an entry for this variant (Variation ID: 2724143). An algorithm developed to predict the effect of missense changes on protein structure and function (PolyPhen-2) suggests that this variant is likely to be disruptive. In summary, the available evidence is currently insufficient to determine the role of this variant in disease. Therefore, it has been classified as a Variant of Uncertain Significance.

NM_019851.3(FGF20):c.320T>A (p.Leu107Gln)

Gene: FGF20 (fibroblast growth factor 20; minus strand). Cytogenetic location: 8p22.
Variant type: single nucleotide variant.
Coding change: c.320T>A on transcript NM_019851.3 (MANE Select); coding-DNA position 320, T replaced by A.
Protein change: p.Leu107Gln; replaces leucine 107 with glutamine.
Molecular consequence: missense variant.
Genome position (GRCh38, 1-based): chr8:16,995,725, A>T on the plus strand (T>A on the coding strand, the complement: FGF20 is on the minus strand). VCF-style: chr8-16995725-A-T. GRCh37 (hg19) VCF-style: chr8-16853234-A-T.
Other names: short protein forms L107Q.
Identifiers: ClinVar variation 2724143 (VCV002724143.3), dbSNP rs766382683, ClinGen allele CA4641647.
Genomic context (GRCh38, chr8:16,995,725, plus strand): 5'-AGTTCTCCTTTGTCATTCATTCCAAGATAGAGACCACTGTCCACACCTCTAATACTGACC[A>T]GTCCCACTGCCACACTGATGAATTCCAAGATACCTGCATATGTAAACAATTCATAAAAAC-3'
Protein context (NP_062825.1, residues 97-117): ILEFISVAVG[Leu107Gln]VSIRGVDSGL